The following is an entry in ClinVar:

NM_001382637.1(OTUD7A):c.1266C>T (p.Asn422=)

Gene: OTUD7A (OTU deubiquitinase 7A; minus strand). Cytogenetic location: 15q13.3.
Variant type: single nucleotide variant.
Coding change: c.1266C>T on transcript NM_001382637.1 (MANE Select); coding-DNA position 1266, C replaced by T.
Protein change: p.Asn422=; no amino-acid change (asparagine 422 retained).
Molecular consequence: synonymous variant.
Genome position (GRCh38, 1-based): chr15:31,487,472, G>A on the plus strand (C>T on the coding strand, the complement: OTUD7A is on the minus strand). VCF-style: chr15-31487472-G-A. GRCh37 (hg19) VCF-style: chr15-31779675-G-A.
Other names: c.1245C>T, p.Asn415= (NM_130901.3).
Identifiers: ClinVar variation 4821134 (VCV004821134.5).

ClinVar aggregate classification (germline): Likely benign. Review status: criteria provided, multiple submitters, no conflicts (2 of 4 stars). 2 submissions from 2 submitters: Likely benign (2). Last evaluated 2025-12-01.

gnomAD v4.1: 201 of 1,614,022 alleles (0.012%); highest among the groups gnomAD compares: South Asian, 0.15%; 3 homozygotes.

Submissions (2):

CeGaT Center for Human Genetics Tuebingen
Classification: Likely benign. Last evaluated: 2025-12-01. Review status: criteria provided, single submitter. Criteria: CeGaT Center For Human Genetics Tuebingen Variant Classification Criteria Version 2. Collection method: clinical testing. Allele origin: germline. Affected: yes. Observed: 1 variant allele.
Comment: OTUD7A: BP4, BP7

Blueprint Genetics
Classification: Likely benign. Last evaluated: 2024-11-25. Review status: criteria provided, single submitter. Criteria: ACMG Guidelines, 2015. Collection method: clinical testing. Allele origin: germline.